The following is an entry in ClinVar:

NM_014476.6(PDLIM3):c.168G>A (p.Gly56=)

Gene: PDLIM3 (PDZ and LIM domain 3; minus strand). Cytogenetic location: 4q35.1.
Variant type: single nucleotide variant.
Coding change: c.168G>A on transcript NM_014476.6 (MANE Select); coding-DNA position 168, G replaced by A.
Protein change: p.Gly56=; no amino-acid change (glycine 56 retained).
Molecular consequence: synonymous variant. On other transcripts: non-coding transcript variant (1), intron variant (1).
Genome position (GRCh38, 1-based): chr4:185,525,097, C>T on the plus strand (G>A on the coding strand, the complement: PDLIM3 is on the minus strand). VCF-style: chr4-185525097-C-T. GRCh37 (hg19) VCF-style: chr4-186446251-C-T.
Other names: c.168G>A, p.Gly56= (NM_001114107.5, NM_001257962.2); c.93+10245G>A (NM_001257963.2).
Identifiers: ClinVar variation 516458 (VCV000516458.14), dbSNP rs151119100, ClinGen allele CA3159891.

ClinVar aggregate classification (germline): Likely benign. Review status: criteria provided, multiple submitters, no conflicts (2 of 4 stars). 4 submissions from 4 submitters: Likely benign (4). Last evaluated 2025-10-17.

Conditions:
Primary dilated cardiomyopathy (DCM). Also called: Dilated Cardiomyopathy. Identifiers: Orphanet 217604, MedGen C0007193, MeSH D002311, MONDO:0005021, HP:0001644. Inheritance: Various modes of inheritance.
Hypertrophic cardiomyopathy. Also called: HYPERTROPHIC MYOCARDIOPATHY. Identifiers: Orphanet 217569, MedGen C0007194, MeSH D002312, MONDO:0005045, HP:0001639.

Allele frequency attached by ClinVar (database versions not stated): ExAC 0.00002; gnomAD 0.00003 and 0.00004; gnomAD exomes 0.00003 and 0.00001; TOPMed 0.00011; ESP Exome Variant Server 0.00023.

Submissions (4):

Labcorp Genetics (formerly Invitae), Labcorp
Classification: Likely benign for Hypertrophic cardiomyopathy; Primary dilated cardiomyopathy. Last evaluated: 2025-10-17. Review status: criteria provided, single submitter. Criteria: Invitae Variant Classification Sherloc (09022015). Collection method: clinical testing. Allele origin: germline.

Women's Health and Genetics/Laboratory Corporation of America, LabCorp
Classification: Likely benign. Last evaluated: 2025-04-07. Review status: criteria provided, single submitter. Criteria: LabCorp Variant Classification Summary - May 2015. Collection method: clinical testing. Allele origin: germline.

Ambry Genetics
Classification: Likely benign. Last evaluated: 2019-05-30. Review status: criteria provided, single submitter. Criteria: Ambry Variant Classification Scheme 2023. Collection method: clinical testing. Allele origin: germline.

GeneDx
Classification: Likely benign. Last evaluated: 2017-12-01. Review status: criteria provided, single submitter. Criteria: GeneDx Variant Classification (06012015). Collection method: clinical testing. Allele origin: germline. Affected: yes.
Comment: This variant is considered likely benign or benign based on one or more of the following criteria: it is a conservative change, it occurs at a poorly conserved position in the protein, it is predicted to be benign by multiple in silico algorithms, and/or has population frequency not consistent with disease.